The following is an entry in ClinVar:

ClinVar aggregate classification (germline): Likely benign (1 of 4 stars; one submission).

Conditions:
SEMA3D-related disorder. Also called: SEMA3D-related condition.

Submission:

PreventionGenetics, part of Exact Sciences
Classification: Likely benign for SEMA3D-related condition. Last evaluated: 2026-04-12. Review status: criteria provided, single submitter. Criteria: ACMG Guidelines, 2015. Collection method: clinical testing. Allele origin: germline.
Comment: This variant is classified as likely benign based on ACMG/AMP sequence variant interpretation guidelines (Richards et al. 2015 PMID: 25741868, with internal and published modifications).

NM_001384900.1(SEMA3D):c.798A>G (p.Glu266=)

Gene: SEMA3D (semaphorin 3D; minus strand). Cytogenetic location: 7q21.11.
Variant type: single nucleotide variant.
Coding change: c.798A>G on transcript NM_001384900.1 (MANE Select); coding-DNA position 798, A replaced by G.
Protein change: p.Glu266=; no amino-acid change (glutamic acid 266 retained).
Molecular consequence: synonymous variant.
Genome position (GRCh38, 1-based): chr7:85,055,780, T>C on the plus strand (A>G on the coding strand, the complement: SEMA3D is on the minus strand). VCF-style: chr7-85055780-T-C. GRCh37 (hg19) VCF-style: chr7-84685096-T-C.
Other names: c.798A>G, p.Glu266= (NM_001384901.1, NM_001384902.1, NM_001384903.1 and 1 more transcripts).
Identifiers: ClinVar variation 4985443 (VCV004985443.1).